The following is an entry in ClinVar:

ClinVar aggregate classification (germline): Pathogenic/Likely pathogenic. Review status: criteria provided, multiple submitters, no conflicts (2 of 4 stars). 5 submissions from 5 submitters: Pathogenic (3); Likely pathogenic (2). Last evaluated 2024-12-16.

Conditions:
Hereditary cancer-predisposing syndrome. Also called: Neoplastic Syndromes, Hereditary; Hereditary neoplastic syndrome; Tumor predisposition; Hereditary Cancer Syndrome. Identifiers: Orphanet 140162, MedGen C0027672, MeSH D009386, MONDO:0015356.
Fanconi anemia complementation group J. Also called: BRIP1-Related Fanconi Anemia. Identifiers: Orphanet 84, MedGen C1836860, MONDO:0012187, OMIM 609054.
Familial cancer of breast. Also called: hereditary breast carcinoma; BREAST CANCER, FAMILIAL; Hereditary breast cancer. Identifiers: Orphanet 227535, MedGen C0346153, MONDO:0016419, OMIM 114480. Disease mechanism: loss of function.

Allele frequency attached by ClinVar (database versions not stated): gnomAD exomes below 0.00001.
gnomAD v4.1: 1 of 1,609,896 alleles (0.000062%); highest among the groups gnomAD compares: Non-Finnish European, 0.000085%; no homozygotes.

Submissions (5):

Revvity Omics, Revvity
Classification: Likely pathogenic for Fanconi anemia complementation group J. Last evaluated: 2024-12-16. Review status: criteria provided, single submitter. Criteria: ACMG Guidelines, 2015. Collection method: clinical testing. Allele origin: germline.

Myriad Genetics, Inc.
Classification: Pathogenic for Familial cancer of breast. Last evaluated: 2023-06-02. Review status: criteria provided, single submitter. Criteria: Myriad Autosomal Dominant, Autosomal Recessive and X-Linked Classification Criteria (2023). Collection method: clinical testing. Allele origin: unknown.
Comment: This variant is considered pathogenic. This variant creates a termination codon and is predicted to result in premature protein truncation.

Labcorp Genetics (formerly Invitae), Labcorp
Classification: Pathogenic for Familial cancer of breast; Fanconi anemia complementation group J. Last evaluated: 2022-08-07. Review status: criteria provided, single submitter. Criteria: Invitae Variant Classification Sherloc (09022015). Collection method: clinical testing. Allele origin: germline.
Comment: This sequence change creates a premature translational stop signal (p.Trp468*) in the BRIP1 gene. It is expected to result in an absent or disrupted protein product. Loss-of-function variants in BRIP1 are known to be pathogenic (PMID: 16116423, 17033622, 21964575). This variant is not present in population databases (gnomAD no frequency). This variant has not been reported in the literature in individuals affected with BRIP1-related conditions. ClinVar contains an entry for this variant (Variation ID: 1691978). RNA analysis performed to evaluate the impact of this premature translational stop signal on mRNA splicing indicates it does not significantly alter splicing (Invitae). For these reasons, this variant has been classified as Pathogenic.

Ambry Genetics
Classification: Pathogenic for Hereditary cancer-predisposing syndrome. Last evaluated: 2022-03-28. Review status: criteria provided, single submitter. Criteria: Ambry Variant Classification Scheme 2023. Collection method: clinical testing. Allele origin: germline.
Comment: The p.W468* pathogenic mutation (also known as c.1403G>A), located in coding exon 9 of the BRIP1 gene, results from a G to A substitution at nucleotide position 1403. This changes the amino acid from a tryptophan to a stop codon within coding exon 9. This alteration is expected to result in loss of function by premature protein truncation or nonsense-mediated mRNA decay. As such, this alteration is interpreted as a disease-causing mutation.

Sema4
Classification: Likely pathogenic for Hereditary cancer-predisposing syndrome. Last evaluated: 2020-08-06. Review status: criteria provided, single submitter. Criteria: Sema4 Curation Guidelines. Collection method: curation. Allele origin: germline.
Comment: To the best of our knowledge, the variant c.1403G>A (p.W468X) BRIP1 has not been reported in individuals with BRIP1-related disease. This variant is expected to cause nonsense-mediated decay and result in an absence of the protein product. This variant is not reported in the population database Genome Aggregation Database (PMID: 27535533). Based on the current evidence available, this variant is interpreted as likely pathogenic.

Literature cited by the submitters: PubMed 16116423 (cited by Labcorp Genetics (formerly Invitae), Labcorp); PubMed 17033622 (cited by Labcorp Genetics (formerly Invitae), Labcorp); PubMed 21964575 (cited by Labcorp Genetics (formerly Invitae), Labcorp).

NM_032043.3(BRIP1):c.1403G>A (p.Trp468Ter)

Gene: BRIP1 (BRCA1 interacting DNA helicase 1; minus strand). Cytogenetic location: 17q23.2.
Variant type: single nucleotide variant.
Coding change: c.1403G>A on transcript NM_032043.3 (MANE Select); coding-DNA position 1403, G replaced by A.
Protein change: p.Trp468Ter; replaces tryptophan 468 with a stop codon.
Molecular consequence: nonsense.
Genome position (GRCh38, 1-based): chr17:61,793,667, C>T on the plus strand (G>A on the coding strand, the complement: BRIP1 is on the minus strand). VCF-style: chr17-61793667-C-T. GRCh37 (hg19) VCF-style: chr17-59871028-C-T.
Other names: short protein forms W468*.
Identifiers: ClinVar variation 1691978 (VCV001691978.11), dbSNP rs2145242325, ClinGen allele CA400482188.
Genomic context (GRCh38, chr17:61,793,667, plus strand): 5'-GGAAAAGTAGCAGTGGTGATACCCATTTTGTGTAAAGTTAAGAGCATTTCATTTCCACTC[C>T]ATATTTTACAAGCTGATTCATAATCTCTTTCTACAAGATATTCAGCGTTTGCTTCTAACC-3'